The following is an entry in ClinVar:

NM_020923.3(ZDBF2):c.1414A>G (p.Ile472Val)

Gene: ZDBF2 (zinc finger DBF-type containing 2; plus strand). Cytogenetic location: 2q33.3.
Variant type: single nucleotide variant.
Coding change: c.1414A>G on transcript NM_020923.3 (MANE Select); coding-DNA position 1414, A replaced by G.
Protein change: p.Ile472Val; replaces isoleucine 472 with valine.
Molecular consequence: missense variant.
Genome position (GRCh38, 1-based): chr2:206,305,942, A>G. VCF-style: chr2-206305942-A-G. GRCh37 (hg19) VCF-style: chr2-207170666-A-G.
Other names: c.1408A>G, p.Ile470Val (NM_001285549.2); c.1414A>G, p.Ile472Val (NM_001369654.1); short protein forms I470V, I472V.
Identifiers: ClinVar variation 3620293 (VCV003620293.2).
Genomic context (GRCh38, chr2:206,305,942, plus strand): 5'-TCTGATTGTGATGACATTCTTCACTTGGTTACCAACCAATCCCAAATGATTGTTAAAGAA[A>G]TAAGTCTTCAGAATGCAAGGCATATTAGCCTGGTTGACCAAAGCTATGAATCTAGTAGTT-3'
Protein context (NP_065974.1, residues 462-482): TNQSQMIVKE[Ile472Val]SLQNARHISL

ClinVar aggregate classification (germline): Uncertain significance (1 of 4 stars; one submission).

gnomAD v4.1: 7 of 1,613,478 alleles (0.00043%); highest among the groups gnomAD compares: Admixed American, 0.005%; no homozygotes.

Submission:

Labcorp Genetics (formerly Invitae), Labcorp
Classification: Uncertain significance. Last evaluated: 2024-04-23. Review status: criteria provided, single submitter. Criteria: Invitae Variant Classification Sherloc (09022015). Collection method: clinical testing. Allele origin: germline.
Comment: This sequence change replaces isoleucine, which is neutral and non-polar, with valine, which is neutral and non-polar, at codon 472 of the ZDBF2 protein (p.Ile472Val). This variant is present in population databases (rs779795729, gnomAD 0.009%). This variant has not been reported in the literature in individuals affected with ZDBF2-related conditions. Algorithms developed to predict the effect of missense changes on protein structure and function output the following: SIFT: "Not Available"; PolyPhen-2: "Benign"; Align-GVGD: "Not Available". The valine amino acid residue is found in multiple mammalian species, which suggests that this missense change does not adversely affect protein function. In summary, the available evidence is currently insufficient to determine the role of this variant in disease. Therefore, it has been classified as a Variant of Uncertain Significance.